The following is an entry in ClinVar:

ClinVar aggregate classification (germline): Uncertain significance (1 of 4 stars; one submission).

Conditions:
Familial adenomatous polyposis 1 (FAP1). Also called: FAMILIAL ADENOMATOUS POLYPOSIS 1, ATTENUATED; POLYPOSIS, ADENOMATOUS INTESTINAL. Identifiers: MedGen C2713442, MONDO:0021056, OMIM 175100. Disease mechanism: loss of function.

Allele frequency attached by ClinVar (database versions not stated): gnomAD exomes below 0.00001; TOPMed below 0.00001.
gnomAD v4.1: 2 of 1,369,800 alleles (0.00015%); highest among the groups gnomAD compares: African/African-American, 0.0029%; no homozygotes.

Submission:

Labcorp Genetics (formerly Invitae), Labcorp
Classification: Uncertain significance for Familial adenomatous polyposis 1. Last evaluated: 2024-08-19. Review status: criteria provided, single submitter. Criteria: Invitae Variant Classification Sherloc (09022015). Collection method: clinical testing. Allele origin: germline.
Comment: This variant occurs in a non-coding region of the APC gene. It does not change the encoded amino acid sequence of the APC protein. This variant is present in population databases (no rsID available, gnomAD 0.02%). This variant has not been reported in the literature in individuals affected with APC-related conditions. Experimental studies and prediction algorithms are not available or were not evaluated, and the functional significance of this variant is currently unknown. In summary, the available evidence is currently insufficient to determine the role of this variant in disease. Therefore, it has been classified as a Variant of Uncertain Significance.

NM_001127511.3(APC):c.144C>T (p.Gly48=)

Gene: APC (APC regulator of Wnt signaling pathway; plus strand). Cytogenetic location: 5q22.2.
Variant type: single nucleotide variant.
Coding change: c.144C>T on transcript NM_001127511.3; coding-DNA position 144, C replaced by T.
Protein change: p.Gly48=; no amino-acid change (glycine 48 retained).
Molecular consequence: synonymous variant. On other transcripts: 5 prime UTR variant (8), non-coding transcript variant (1), intron variant (5).
Genome position (GRCh38, 1-based): chr5:112,707,861, C>T. VCF-style: chr5-112707861-C-T. GRCh37 (hg19) VCF-style: chr5-112043558-C-T.
Other names: c.-40C>T (NM_001354895.2, NM_001407447.1, NM_001407452.1 and 3 more transcripts); c.144C>T, p.Gly48= (NM_001354897.2, NM_001354902.2, NM_001407446.1); c.-1075C>T (NM_001407470.1, NM_001407472.1); c.-19+212C>T (NM_001407448.1, NM_001407450.1, NM_001407457.1 and 1 more transcripts); c.-43+212C>T (NM_001407453.1).
Identifiers: ClinVar variation 2894660 (VCV002894660.3), dbSNP rs1438837078, ClinGen allele CA561890317.